The following is an entry in ClinVar:

ClinVar aggregate classification (germline): Uncertain significance (1 of 4 stars; one submission).

Conditions:
Regional enteritis. Also called: Enteritis, Granulomatous. Identifiers: MedGen C0678202, MeSH D003424.
Blau syndrome (BLAUS). Also called: ARTHROCUTANEOUVEAL GRANULOMATOSIS; GRANULOMATOSIS, FAMILIAL JUVENILE SYSTEMIC; GRANULOMATOSIS, FAMILIAL, BLAU TYPE; GRANULOMATOUS INFLAMMATORY ARTHRITIS, DERMATITIS, AND UVEITIS, FAMILIAL; JABS SYNDROME. Identifiers: Orphanet 90340, MedGen C5201146, MONDO:0008523, OMIM 186580.

Submission:

Labcorp Genetics (formerly Invitae), Labcorp
Classification: Uncertain significance for Regional enteritis; Blau syndrome. Last evaluated: 2023-08-04. Review status: criteria provided, single submitter. Criteria: Invitae Variant Classification Sherloc (09022015). Collection method: clinical testing. Allele origin: germline.
Comment: Advanced modeling of protein sequence and biophysical properties (such as structural, functional, and spatial information, amino acid conservation, physicochemical variation, residue mobility, and thermodynamic stability) performed at Invitae indicates that this missense variant is not expected to disrupt NOD2 protein function. This variant has not been reported in the literature in individuals affected with NOD2-related conditions. This variant is not present in population databases (gnomAD no frequency). This sequence change replaces lysine, which is basic and polar, with arginine, which is basic and polar, at codon 220 of the NOD2 protein (p.Lys220Arg). In summary, the available evidence is currently insufficient to determine the role of this variant in disease. Therefore, it has been classified as a Variant of Uncertain Significance.

NM_001370466.1(NOD2):c.578A>G (p.Lys193Arg)

Gene: NOD2 (nucleotide binding oligomerization domain containing 2; plus strand). Cytogenetic location: 16q12.1.
Variant type: single nucleotide variant.
Coding change: c.578A>G on transcript NM_001370466.1 (MANE Select); coding-DNA position 578, A replaced by G.
Protein change: p.Lys193Arg; replaces lysine 193 with arginine.
Molecular consequence: missense variant. On other transcripts: non-coding transcript variant (1).
Genome position (GRCh38, 1-based): chr16:50,710,570, A>G. VCF-style: chr16-50710570-A-G. GRCh37 (hg19) VCF-style: chr16-50744481-A-G.
Other names: c.578A>G, p.Lys193Arg (NM_001293557.2); c.659A>G, p.Lys220Arg (NM_022162.3); short protein forms K193R, K220R.
Identifiers: ClinVar variation 2949556 (VCV002949556.3), dbSNP rs2506392286, ClinGen allele CA395867292.
Genomic context (GRCh38, chr16:50,710,570, plus strand): 5'-GTCTTCACCATGGTGCCACCTTCATCTGCCTCTTCTTCTGCCTTCCAGCTGCCACATGCA[A>G]GAAGTATATGGCCAAGCTGAGGACCACGGTGTCTGCTCAGTCTCGCTTCCTCAGTACCTA-3'
Protein context (NP_001357395.1, residues 183-203): LALPLEAATC[Lys193Arg]KYMAKLRTTV